The following is an entry in ClinVar:

ClinVar aggregate classification (germline): Uncertain significance (1 of 4 stars; one submission).

Conditions:
COL6A1-related disorder. Also called: COL6A1-related condition.

Submission:

3billion
Classification: Uncertain significance for COL6A1-related disorder. Last evaluated: 2025-06-24. Review status: criteria provided, single submitter. Criteria: ACMG Guidelines, 2015. Collection method: clinical testing. Allele origin: germline. Affected: yes.
Comment: The variant is not observed in the gnomAD v4.1.0 dataset. Predicted Consequence/Location: Intron variant In silico tools predict the variant to alter splicing and produce an abnormal transcript [SpliceAI: 0.73 (>=0.2, moderate evidence for spliceogenicity)]. Therefore, this variant is classified as VUS according to the recommendation of ACMG/AMP guideline.

NM_001848.3(COL6A1):c.1822+5G>A

Gene: COL6A1 (collagen type VI alpha 1 chain; plus strand). Cytogenetic location: 21q22.3.
Variant type: single nucleotide variant.
Coding change: c.1822+5G>A on transcript NM_001848.3 (MANE Select); 5 bases into the intron after coding-DNA position 1822, G replaced by A.
Molecular consequence: intron variant.
Genome position (GRCh38, 1-based): chr21:46,000,772, G>A. VCF-style: chr21-46000772-G-A. GRCh37 (hg19) VCF-style: chr21-47420686-G-A.
Identifiers: ClinVar variation 4854414 (VCV004854414.1).